The following is an entry in ClinVar:

NM_001379500.1(COL18A1):c.1275C>T (p.Pro425=)

Gene: COL18A1 (collagen type XVIII alpha 1 chain; plus strand). Cytogenetic location: 21q22.3.
Variant type: single nucleotide variant.
Coding change: c.1275C>T on transcript NM_001379500.1 (MANE Select); coding-DNA position 1275, C replaced by T.
Protein change: p.Pro425=; no amino-acid change (proline 425 retained).
Molecular consequence: synonymous variant.
Genome position (GRCh38, 1-based): chr21:45,479,928, C>T. VCF-style: chr21-45479928-C-T. GRCh37 (hg19) VCF-style: chr21-46899842-C-T.
Other names: NM_130445.2:c.1275C>T; c.1815C>T, p.Pro605= (NM_030582.4); c.2520C>T, p.Pro840= (NM_130444.3).
Identifiers: ClinVar variation 340216 (VCV000340216.17), dbSNP rs1131100, ClinGen allele CA10066217.
Genomic context (GRCh38, chr21:45,479,928, plus strand): 5'-TTCCCTGACCGGGCCCCCGGATGTTGTGTTCCAGGGCGACACCGGGCCACAAGGCTTCCC[C>T]GGGACTCCAGGGGACGTAGGTCCCAAGGGCGACAAGGTGAGTCTCCGTGGCTGGGTGGGG-3'
Protein context (NP_001366429.1, residues 415-435): KPGDTGPQGF[Pro425=]GTPGDVGPKG

ClinVar aggregate classification (germline): Benign. Review status: criteria provided, multiple submitters, no conflicts (2 of 4 stars). 4 submissions from 4 submitters: Benign (4). Last evaluated 2026-02-04.

Conditions:
Knobloch syndrome (KNO). Also called: RETINAL DETACHMENT AND OCCIPITAL ENCEPHALOCELE; Myopia retinal detachment encephalocele. Identifiers: Orphanet 1571, MedGen C1849409, MONDO:0800166.

Allele frequency attached by ClinVar (database versions not stated): gnomAD exomes 0.08903; ExAC 0.09333; gnomAD 0.12716 and 0.12789; ESP Exome Variant Server 0.13102; TOPMed 0.13948; 1000 Genomes Project 30x 0.16209; 1000 Genomes Project 0.16314.
gnomAD v4.1: 130,181 of 1,612,350 alleles (8.1%); highest among the groups gnomAD compares: African/African-American, 28%; 7,550 homozygotes.

Submissions (5):

Labcorp Genetics (formerly Invitae), Labcorp
Classification: Benign. Last evaluated: 2026-02-04. Review status: criteria provided, single submitter. Criteria: Invitae Variant Classification Sherloc (09022015). Collection method: clinical testing. Allele origin: germline.

GeneDx
Classification: Benign. Last evaluated: 2020-10-08. Review status: criteria provided, single submitter. Criteria: GeneDx Variant Classification Process June 2021. Collection method: clinical testing. Allele origin: germline. Affected: yes.

Illumina Laboratory Services, Illumina
Classification: Benign for Knobloch syndrome 1. Last evaluated: 2018-01-12. Review status: criteria provided, single submitter. Criteria: ICSL Variant Classification Criteria 13 December 2019. Collection method: clinical testing. Allele origin: germline.
Comment: This variant was observed in the ICSL laboratory as part of a predisposition screen in an ostensibly healthy population. It had not been previously curated by ICSL or reported in the Human Gene Mutation Database (HGMD: prior to June 1st, 2018), and was therefore a candidate for classification through an automated scoring system. Utilizing variant allele frequency, disease prevalence and penetrance estimates, and inheritance mode, an automated score was calculated to assess if this variant is too frequent to cause the disease. Based on the score and internal cut-off values, a variant classified as benign is not then subjected to further curation. The score for this variant resulted in a classification of benign for this disease.

Breakthrough Genomics
Classification: Benign. Review status: criteria provided, single submitter. Criteria: ACMG Guidelines, 2015. Collection method: not provided. Allele origin: germline. Inheritance: Autosomal recessive inheritance. Affected: yes.

Dr. Peter K. Rogan Lab, Western University
No classification provided (evidence only). Condition: Familial cancer of breast. Review status: no classification provided. Collection method: in vitro. Allele origin: not applicable. Functional consequence: retained intron. Not counted in ClinVar's aggregate classification.